The following is an entry in ClinVar:

NM_015215.4(CAMTA1):c.2769C>G (p.Cys923Trp)

Gene: CAMTA1 (calmodulin binding transcription activator 1; plus strand). Cytogenetic location: 1p36.23.
Variant type: single nucleotide variant.
Coding change: c.2769C>G on transcript NM_015215.4 (MANE Select); coding-DNA position 2769, C replaced by G.
Protein change: p.Cys923Trp; replaces cysteine 923 with tryptophan.
Molecular consequence: missense variant. On other transcripts: 5 prime UTR variant (6).
Genome position (GRCh38, 1-based): chr1:7,671,027, C>G. VCF-style: chr1-7671027-C-G. GRCh37 (hg19) VCF-style: chr1-7731087-C-G.
Other names: c.2679C>G, p.Cys893Trp (NM_001349608.2, NM_001349612.2); c.2769C>G, p.Cys923Trp (NM_001349609.2, NM_001349610.2, NM_001410737.1); c.-160C>G (NM_001349614.1, NM_001349617.1, NM_001349620.1 and 3 more transcripts); c.2697C>G, p.Cys899Trp (NM_001410738.1); short protein forms C899W, C893W, C923W.
Identifiers: ClinVar variation 2228139 (VCV002228139.2), dbSNP rs2523922137, ClinGen allele CA338121368.
Genomic context (GRCh38, chr1:7,671,027, plus strand): 5'-CTGCCTGTTTGACCAGATCTCAGTGCCTGCATCCCTGATTCAGCCTGGGGTGCTGCGCTG[C>G]TACTGCCCAGGTGAGAAAGCCGCCCCCCAGGCCCCCAAGGTGAGTGTGATGGCCTGAGGA-3'
Protein context (NP_056030.1, residues 913-933): ASLIQPGVLR[Cys923Trp]YCPAHDTGLV

ClinVar aggregate classification (germline): Uncertain significance (1 of 4 stars; one submission).

Conditions:
Inborn genetic diseases. Identifiers: MedGen C0950123, MeSH D030342.

Submission:

Ambry Genetics
Classification: Uncertain significance for Inborn genetic diseases. Last evaluated: 2020-12-03. Review status: criteria provided, single submitter. Criteria: Ambry Variant Classification Scheme 2023. Collection method: clinical testing. Allele origin: germline.
Comment: The c.2769C>G (p.C923W) alteration is located in coding exon 10 of the CAMTA1 gene. This alteration results from a C to G substitution at nucleotide position 2769, causing the cysteine (C) at amino acid position 923 to be replaced by a tryptophan (W). Based on data from the Genome Aggregation Database (gnomAD), the CAMTA1 c.2769C>G alteration was not observed, with coverage at this position. The p.C923 amino acid is conserved in available vertebrate species. The p.C923W alteration is predicted to be deleterious by in silico analysis. Based on insufficient or conflicting evidence, the clinical significance of this alteration remains unclear.